The following is an entry in ClinVar:

NM_004946.3(DOCK2):c.739C>T (p.Pro247Ser)

Gene: DOCK2 (dedicator of cytokinesis 2; plus strand). Cytogenetic location: 5q35.1.
Variant type: single nucleotide variant.
Coding change: c.739C>T on transcript NM_004946.3 (MANE Select); coding-DNA position 739, C replaced by T.
Protein change: p.Pro247Ser; replaces proline 247 with serine.
Molecular consequence: missense variant. On other transcripts: non-coding transcript variant (1).
Genome position (GRCh38, 1-based): chr5:169,684,328, C>T. VCF-style: chr5-169684328-C-T. GRCh37 (hg19) VCF-style: chr5-169111332-C-T.
Other names: short protein forms P247S.
Identifiers: ClinVar variation 1963699 (VCV001963699.5), dbSNP rs2532498749, ClinGen allele CA362103754.

ClinVar aggregate classification (germline): Uncertain significance (1 of 4 stars; one submission).

Conditions:
DOCK2 deficiency. Also called: Immunodeficiency 40. Identifiers: Orphanet 447737, MedGen C4225328, MONDO:0014637, OMIM 616433.

Submission:

Labcorp Genetics (formerly Invitae), Labcorp
Classification: Uncertain significance for DOCK2 deficiency. Last evaluated: 2025-04-14. Review status: criteria provided, single submitter. Criteria: Invitae Variant Classification Sherloc (09022015). Collection method: clinical testing. Allele origin: germline.
Comment: This sequence change replaces proline, which is neutral and non-polar, with serine, which is neutral and polar, at codon 247 of the DOCK2 protein (p.Pro247Ser). This variant is not present in population databases (gnomAD no frequency). This variant has not been reported in the literature in individuals affected with DOCK2-related conditions. ClinVar contains an entry for this variant (Variation ID: 1963699). An algorithm developed to predict the effect of missense changes on protein structure and function (PolyPhen-2) suggests that this variant is likely to be disruptive. In summary, the available evidence is currently insufficient to determine the role of this variant in disease. Therefore, it has been classified as a Variant of Uncertain Significance.